The following is an entry in ClinVar:

NM_006231.4(POLE):c.5940G>A (p.Trp1980Ter)

Gene: POLE (DNA polymerase epsilon, catalytic subunit; minus strand). Cytogenetic location: 12q24.33.
Variant type: single nucleotide variant.
Coding change: c.5940G>A on transcript NM_006231.4 (MANE Select); coding-DNA position 5940, G replaced by A.
Protein change: p.Trp1980Ter; replaces tryptophan 1980 with a stop codon.
Molecular consequence: nonsense.
Genome position (GRCh38, 1-based): chr12:132,634,250, C>T on the plus strand (G>A on the coding strand, the complement: POLE is on the minus strand). VCF-style: chr12-132634250-C-T. GRCh37 (hg19) VCF-style: chr12-133210836-C-T.
Other names: short protein forms W1980*.
Identifiers: ClinVar variation 486952 (VCV000486952.22), dbSNP rs1470483579, ClinGen allele CA387371547.

ClinVar aggregate classification (germline): Conflicting classifications of pathogenicity. Review status: criteria provided, conflicting classifications (1 of 4 stars). 6 submissions from 6 submitters: Pathogenic (2); Likely pathogenic (1); Uncertain significance (2). 1 of the submissions does not count toward it. Last evaluated 2026-01-08.

Conditions:
Hereditary cancer-predisposing syndrome. Also called: Tumor predisposition; Hereditary Cancer Syndrome; Neoplastic Syndromes, Hereditary; Hereditary neoplastic syndrome. Identifiers: Orphanet 140162, MedGen C0027672, MeSH D009386, MONDO:0015356.
Colorectal cancer, susceptibility to, 12 (CRCS12). Also called: COLORECTAL CANCER, SUSCEPTIBILITY TO, ON CHROMOSOME 12q24. Identifiers: Orphanet 220460, MedGen C3554460, MONDO:0014038, OMIM 615083.
POLE-related disorder. Also called: POLE-related disorders; POLE-related condition.

Allele frequency attached by ClinVar (database versions not stated): gnomAD exomes below 0.00001 and 0.00002; TOPMed below 0.00001; gnomAD 0.00001.
gnomAD v4.1: 33 of 1,614,048 alleles (0.002%); highest among the groups gnomAD compares: Non-Finnish European, 0.0026%; no homozygotes.

Submissions (6):

Ambry Genetics
Classification: Uncertain significance for Hereditary cancer-predisposing syndrome. Last evaluated: 2026-01-08. Review status: criteria provided, single submitter. Criteria: Ambry Variant Classification Scheme 2023. Collection method: clinical testing. Allele origin: germline.
Comment: The p.W1980* variant (also known as c.5940G>A), located in coding exon 43 of the POLE gene, results from a G to A substitution at nucleotide position 5940. This changes the amino acid from a tryptophan to a stop codon within coding exon 43. This variant has been reported in the compound heterozygous state in an individual with intrauterine growth restriction, skeletal abnormalities, immunodeficiency and IgM paraproteinaemia (IMAGe syndrome) (Logan CV et al. Am J Hum Genet, 2018 Dec;103:1038-1044). This alteration is expected to result in loss of function by premature protein truncation or nonsense-mediated mRNA decay. Although biallelic loss of function of POLE has been associated with autosomal recessive POLE deficiency, haploinsufficiency of POLE has not been established as a mechanism of disease for POLE-related polymerase proofreading-associated polyposis (PPAP) and POLE-related CMMRD-like syndrome. Based on the supporting evidence, this variant is expected to be causative of POLE deficiency when present along with a second pathogenic variant on the other allele; however, its clinical significance for PPAP and POLE-related CMMRD-like syndrome is unclear.

Labcorp Genetics (formerly Invitae), Labcorp
Classification: Pathogenic. Last evaluated: 2025-07-29. Review status: criteria provided, single submitter. Criteria: Invitae Variant Classification Sherloc (09022015). Collection method: clinical testing. Allele origin: germline.
Comment: This sequence change creates a premature translational stop signal (p.Trp1980*) in the POLE gene. It is expected to result in an absent or disrupted protein product. Loss-of-function variants in POLE are known to be pathogenic (PMID: 23230001, 25948378, 30503519). This variant is present in population databases (no rsID available, gnomAD 0.002%). This premature translational stop signal has been observed in individual(s) with clinical features of autosomal recessive IMAGe syndrome (PMID: 30503519). ClinVar contains an entry for this variant (Variation ID: 486952). For these reasons, this variant has been classified as Pathogenic.

GeneDx
Classification: Pathogenic. Last evaluated: 2023-06-14. Review status: criteria provided, single submitter. Criteria: GeneDx Variant Classification Process June 2021. Collection method: clinical testing. Allele origin: germline. Affected: yes.
Comment: Nonsense variant predicted to result in protein truncation or nonsense mediated decay in a gene for which loss of function is a known mechanism of disease; Not observed at significant frequency in large population cohorts (gnomAD); This variant is associated with the following publications: (PMID: 23230001, 25948378, 35534205, 30503519)

PreventionGenetics, part of Exact Sciences
Classification: Likely pathogenic for POLE-related condition. Last evaluated: 2023-06-05. Review status: criteria provided, single submitter. Criteria: ACMG Guidelines, 2015. Collection method: clinical testing. Allele origin: germline.
Comment: The POLE c.5940G>A variant is predicted to result in premature protein termination (p.Trp1980*). This variant has been reported in the compound heterozygous state in an individual with autosomal recessive intrauterine growth retardation, metaphyseal dysplasia, adrenal hypoplasia congenita, genital anomalies, and immunodeficiency (IMAGe-I) syndrome (Table 1, Logan CV et al. 2018. PubMed ID: 30503519). This variant is reported in 0.0016% of alleles in individuals of European (Non-Finnish) descent in gnomAD. Pathogenic variants in POLE leading to loss of POLE protein function have been reported in individuals with autosomal recessive intrauterine growth retardation, metaphyseal dysplasia, adrenal hypoplasia congenita, genital anomalies, and immunodeficiency (IMAGe-I) syndrome (Pachlopnik Schmid et al. 2012. PubMed ID: 23230001; Thiffault et al. 2015. PubMed ID: 25948378; Long et al. 2018. PubMed ID: 30503519; Nakano et al. 2022. PubMed ID: 35534205). This variant is interpreted as likely pathogenic for autosomal recessive IMAGe-I syndrome and as a variant of uncertain significance for autosomal dominant POLE-associated disorders.

St. Jude Molecular Pathology, St. Jude Children's Research Hospital
Classification: Uncertain significance for Colorectal cancer, susceptibility to, 12. Last evaluated: 2022-05-02. Review status: criteria provided, single submitter. Criteria: St. Jude Assertion Criteria 2020. Collection method: clinical testing. Allele origin: germline.
Comment: The POLE c.5940G>A (p.Trp1980Ter) change is a nonsense variant that is predicted to cause premature protein truncation. The disease mechanism for replication-repair-associated DNA polymerases is loss of proofreading caused by missense changes in the exonuclease domain, and protein truncating variants do not have an established correlation to disease (PMID: 23447401). This variant does not affect the exonuclease domain. This variant has a maximum subpopulation frequency of 0.0016% in gnomAD v2.1.1. To our knowledge, this variant has not been reported in individuals with POLE-related disease. In summary, this variant meets criteria to be classified as of uncertain significance based on the ACMG/AMP criteria: no criteria met.

Counsyl
Classification: Uncertain significance for Colorectal cancer, susceptibility to, 12. Last evaluated: 2017-12-14. Review status: no assertion criteria provided. Collection method: clinical testing. Allele origin: unknown. Not counted in ClinVar's aggregate classification.

Literature cited by the submitters: PubMed 30503519 (cited by Ambry Genetics and Labcorp Genetics (formerly Invitae), Labcorp); PubMed 23230001 (cited by Labcorp Genetics (formerly Invitae), Labcorp); PubMed 25948378 (cited by Labcorp Genetics (formerly Invitae), Labcorp).